The following is an entry in ClinVar:

ClinVar aggregate classification (germline): Uncertain significance (1 of 4 stars; one submission).

gnomAD v4.1: 28 of 1,610,406 alleles (0.0017%); highest among the groups gnomAD compares: Non-Finnish European, 0.0023%; no homozygotes.

Submission:

GeneDx
Classification: Uncertain significance. Last evaluated: 2025-07-17. Review status: criteria provided, single submitter. Criteria: GeneDx Variant Classification Process June 2021. Collection method: clinical testing. Allele origin: germline. Affected: yes.
Comment: Reported as a heterozygous germline variant in a patient with acute myeloid leukemia in published literature (PMID: 35761024); In silico analysis supports that this missense variant has a deleterious effect on protein structure/function; This variant is associated with the following publications: (PMID: 35761024)

NM_000250.2(MPO):c.550C>T (p.Arg184Cys)

Gene: MPO (myeloperoxidase; minus strand). Cytogenetic location: 17q22.
Variant type: single nucleotide variant.
Coding change: c.550C>T on transcript NM_000250.2 (MANE Select); coding-DNA position 550, C replaced by T.
Protein change: p.Arg184Cys; replaces arginine 184 with cysteine.
Molecular consequence: missense variant.
Genome position (GRCh38, 1-based): chr17:58,279,425, G>A on the plus strand (C>T on the coding strand, the complement: MPO is on the minus strand). VCF-style: chr17-58279425-G-A. GRCh37 (hg19) VCF-style: chr17-56356786-G-A.
Other names: short protein forms R184C.
Identifiers: ClinVar variation 4686774 (VCV004686774.1).
Genomic context (GRCh38, chr17:58,279,425, plus strand): 5'-CATACTCCGCCGGCAGCCAGCGCACAAAGGCACGGTTGGAGGCCCCCAGCGTGGGGCTGC[G>A]TCTGCAGGGGAGGACAGGGCGCTGACACCGGGAGGCTTGTGGCGTCCGGGACGCCTCTCT-3'
Protein context (NP_000241.1, residues 174-194): RTITGMCNNR[Arg184Cys]SPTLGASNRA